The following is an entry in ClinVar:

ClinVar aggregate classification (germline): Uncertain significance (1 of 4 stars; one submission).

Allele frequency attached by ClinVar (database versions not stated): TOPMed below 0.00001.
gnomAD v4.1: 1 of 1,614,210 alleles (0.000062%); no homozygotes.

Submission:

Women's Health and Genetics/Laboratory Corporation of America, LabCorp
Classification: Uncertain significance. Last evaluated: 2023-06-19. Review status: criteria provided, single submitter. Criteria: LabCorp Variant Classification Summary - May 2015. Collection method: clinical testing. Allele origin: germline.
Comment: Variant summary: POGZ c.3895C>G (p.Gln1299Glu) results in a conservative amino acid change in the encoded protein sequence. Three of five in-silico tools predict a damaging effect of the variant on protein function. The variant was absent in 251482 control chromosomes. The available data on variant occurrences in the general population are insufficient to allow any conclusion about variant significance. To our knowledge, no occurrence of c.3895C>G in individuals affected with White-Sutton Syndrome and no experimental evidence demonstrating its impact on protein function have been reported. No clinical diagnostic laboratories have submitted clinical-significance assessments for this variant to ClinVar after 2014. Based on the evidence outlined above, the variant was classified as uncertain significance.

NM_015100.4(POGZ):c.3895C>G (p.Gln1299Glu)

Gene: POGZ (pogo transposable element derived with ZNF domain; minus strand). Cytogenetic location: 1q21.3.
Variant type: single nucleotide variant.
Coding change: c.3895C>G on transcript NM_015100.4 (MANE Select); coding-DNA position 3895, C replaced by G.
Protein change: p.Gln1299Glu; replaces glutamine 1299 with glutamic acid.
Molecular consequence: missense variant.
Genome position (GRCh38, 1-based): chr1:151,405,140, G>C on the plus strand (C>G on the coding strand, the complement: POGZ is on the minus strand). VCF-style: chr1-151405140-G-C. GRCh37 (hg19) VCF-style: chr1-151377616-G-C.
Other names: c.3868C>G, p.Gln1290Glu (NM_001194937.2); c.3709C>G, p.Gln1237Glu (NM_001194938.2); c.3916C>G, p.Gln1306Glu (NM_001410860.1); c.3610C>G, p.Gln1204Glu (NM_145796.4); c.3736C>G, p.Gln1246Glu (NM_207171.2); short protein forms Q1204E, Q1237E, Q1246E, Q1290E, Q1299E, Q1306E.
Identifiers: ClinVar variation 2573575 (VCV002573575.1), dbSNP rs1406104875, ClinGen allele CA341937294.